The following is an entry in ClinVar:

ClinVar aggregate classification (germline): Uncertain significance (1 of 4 stars; one submission).

Conditions:
Hereditary breast ovarian cancer syndrome. Also called: Hereditary breast and ovarian cancer syndrome (HBOC); Hereditary breast and ovarian cancer; Breast and ovarian cancer; Hereditary breast and/or ovarian cancer syndrome; BRCA1- and BRCA2-Associated Hereditary Breast and Ovarian Cancer; Hereditary breast and ovarian cancer syndrome. Identifiers: Orphanet 145, MedGen C0677776, MeSH D061325, MONDO:0003582. Disease mechanism: loss of function.

Submission:

Labcorp Genetics (formerly Invitae), Labcorp
Classification: Uncertain significance for Hereditary breast ovarian cancer syndrome. Last evaluated: 2026-01-18. Review status: criteria provided, single submitter. Criteria: Invitae Variant Classification Sherloc (09022015). Collection method: clinical testing. Allele origin: germline.
Comment: This sequence change replaces lysine, which is basic and polar, with glutamine, which is neutral and polar, at codon 285 of the BRCA2 protein (p.Lys285Gln). This variant is not present in population databases (gnomAD no frequency). This variant has not been reported in the literature in individuals affected with BRCA2-related conditions. Invitae Evidence Modeling of protein sequence and biophysical properties (such as structural, functional, and spatial information, amino acid conservation, physicochemical variation, residue mobility, and thermodynamic stability) indicates that this missense variant is not expected to disrupt BRCA2 protein function with a negative predictive value of 95%. In summary, the available evidence is currently insufficient to determine the role of this variant in disease. Therefore, it has been classified as a Variant of Uncertain Significance.

NM_000059.4(BRCA2):c.853A>C (p.Lys285Gln)

Gene: BRCA2 (BRCA2 DNA repair associated; plus strand). Cytogenetic location: 13q13.1.
Variant type: single nucleotide variant.
Coding change: c.853A>C on transcript NM_000059.4 (MANE Select); coding-DNA position 853, A replaced by C.
Protein change: p.Lys285Gln; replaces lysine 285 with glutamine.
Molecular consequence: missense variant. On other transcripts: non-coding transcript variant (1), intron variant (1).
Genome position (GRCh38, 1-based): chr13:32,332,331, A>C. VCF-style: chr13-32332331-A-C. GRCh37 (hg19) VCF-style: chr13-32906468-A-C.
Other names: c.853A>C, p.Lys285Gln (NM_001406719.1, NM_001406720.1, NM_001406721.1 and 1 more transcripts); c.424+1301A>C (NM_001406722.1); short protein forms K285Q.
Identifiers: ClinVar variation 4802267 (VCV004802267.1).
Genomic context (GRCh38, chr13:32,332,331, plus strand): 5'-GGATTTGGAAAAACATCAGGGAATTCATTTAAAGTAAATAGCTGCAAAGACCACATTGGA[A>C]AGTCAATGCCAAATGTCCTAGAAGATGAAGTATATGAAACAGTTGTAGATACCTCTGAAG-3'
Protein context (NP_000050.3, residues 275-295): KVNSCKDHIG[Lys285Gln]SMPNVLEDEV